The following is an entry in ClinVar:

ClinVar aggregate classification (germline): Uncertain significance (1 of 4 stars; one submission).

Conditions:
Hypertrophic cardiomyopathy. Also called: HYPERTROPHIC MYOCARDIOPATHY. Identifiers: Orphanet 217569, MedGen C0007194, MeSH D002312, MONDO:0005045, HP:0001639.

Submission:

Labcorp Genetics (formerly Invitae), Labcorp
Classification: Uncertain significance for Hypertrophic cardiomyopathy. Last evaluated: 2023-09-03. Review status: criteria provided, single submitter. Criteria: Invitae Variant Classification Sherloc (09022015). Collection method: clinical testing. Allele origin: germline.
Comment: In summary, the available evidence is currently insufficient to determine the role of this variant in disease. Therefore, it has been classified as a Variant of Uncertain Significance. Advanced modeling of protein sequence and biophysical properties (such as structural, functional, and spatial information, amino acid conservation, physicochemical variation, residue mobility, and thermodynamic stability) performed at Invitae indicates that this missense variant is expected to disrupt MYH7 protein function. This variant has not been reported in the literature in individuals affected with MYH7-related conditions. This variant is not present in population databases (gnomAD no frequency). This sequence change replaces glutamine, which is neutral and polar, with glutamic acid, which is acidic and polar, at codon 610 of the MYH7 protein (p.Gln610Glu).

NM_000257.4(MYH7):c.1828C>G (p.Gln610Glu)

Gene: MYH7 (myosin heavy chain 7; minus strand). Cytogenetic location: 14q11.2.
Variant type: single nucleotide variant.
Coding change: c.1828C>G on transcript NM_000257.4 (MANE Select); coding-DNA position 1828, C replaced by G.
Protein change: p.Gln610Glu; replaces glutamine 610 with glutamic acid.
Molecular consequence: missense variant.
Genome position (GRCh38, 1-based): chr14:23,427,645, G>C on the plus strand (C>G on the coding strand, the complement: MYH7 is on the minus strand). VCF-style: chr14-23427645-G-C. GRCh37 (hg19) VCF-style: chr14-23896854-G-C.
Other names: c.1828C>G, p.Gln610Glu (NM_001407004.1); short protein forms Q610E.
Identifiers: ClinVar variation 2757440 (VCV002757440.3), dbSNP rs1399475955, ClinGen allele CA389049732.